The following is an entry in ClinVar:

ClinVar aggregate classification (germline): Pathogenic (1 of 4 stars; one submission).

Conditions:
SATB2-related disorder. Also called: SATB2-related condition.

Submission:

GeneDx
Classification: Pathogenic. Last evaluated: 2017-09-13. Review status: criteria provided, single submitter. Criteria: GeneDx Variant Classification (06012015). Collection method: clinical testing. Allele origin: germline. Affected: yes.
Comment: The c.19dupA variant in the SATB2 gene has not been reported previously as a pathogenic variant nor as a benign variant, to our knowledge. The c.19dupA variant causes a frameshift starting with codon Serine 7, changes this amino acid to a Lysine residue, and creates a premature Stop codon at position 68 of the new reading frame, denoted p.Ser7LysfsX68. This variant is predicted to cause loss of normal protein function either through protein truncation or nonsense-mediated mRNA decay. The c.19dupA variant is not observed in large population cohorts (Lek et al., 2016; 1000 Genomes Consortium et al., 2015; Exome Variant Server). We interpret c.19dupA as a pathogenic variant

NM_001172509.2(SATB2):c.19dup (p.Ser7fs)

Gene: SATB2 (SATB homeobox 2; minus strand). Cytogenetic location: 2q33.1.
Variant type: Duplication.
Coding change: c.19dup on transcript NM_001172509.2 (MANE Select); coding-DNA position 19, one base duplicated (A; older notation c.19dupA).
Protein change: p.Ser7fs; shifts the reading frame from serine 7.
Molecular consequence: frameshift variant. On other transcripts: non-coding transcript variant (1).
Genome position (GRCh38, 1-based): chr2:199,456,019, T duplicated on the plus strand (A on the coding strand, the reverse complement: SATB2 is on the minus strand). VCF-style (leftmost placement, unchanged base first): chr2-199456018-C-CT. GRCh37 (hg19) VCF-style: chr2-200320741-C-CT.
Other names: c.19dup, p.Ser7fs (NM_001172517.1, NM_015265.4); c.19dupA (NM_015265.3); short protein forms S7fs.
Identifiers: ClinVar variation 451780 (VCV000451780.3), dbSNP rs1553507389, ClinGen allele CA658657195.